The following is an entry in ClinVar:

NM_000233.4(LHCGR):c.35_36insCA (p.Lys12fs)

Genes: LHCGR (luteinizing hormone/choriogonadotropin receptor; minus strand), STON1-GTF2A1L (STON1-GTF2A1L readthrough; plus strand). Cytogenetic location: 2p16.3.
Variant type: Insertion.
Coding change: c.35_36insCA on transcript NM_000233.4 (MANE Select); coding-DNA positions 35 to 36, CA inserted.
Protein change: p.Lys12fs; shifts the reading frame from lysine 12.
Molecular consequence: frameshift variant. On other transcripts: intron variant (1).
Genome position: GRCh38 VCF-style: chr2-48755636-C-CTG. GRCh37 (hg19) VCF-style: chr2-48982775-C-CTG.
Other names: c.3442-20643_3442-20642insGT (NM_001198593.2); short protein forms K12fs.
Identifiers: ClinVar variation 1338265 (VCV001338265.5), dbSNP rs2103767948, ClinGen allele CA2573051987.

ClinVar aggregate classification (germline): Conflicting classifications of pathogenicity. Review status: criteria provided, conflicting classifications (1 of 4 stars). 2 submissions from 2 submitters: Pathogenic (1); Uncertain significance (1). Last evaluated 2025-04-23.

Conditions:
LHCGR-related disorder. Also called: LHCGR-related condition.

Submissions (2):

PreventionGenetics, part of Exact Sciences
Classification: Uncertain significance for LHCGR-related condition. Last evaluated: 2025-04-23. Review status: criteria provided, single submitter. Criteria: ACMG Guidelines, 2015. Collection method: clinical testing. Allele origin: germline.
Comment: The LHCGR c.35_36insCA variant is predicted to result in a frameshift and premature protein termination (p.Lys12Asnfs*53). To our knowledge, this variant has not been reported in literature or in a large population database (gnomAD), indicating this variant is rare. To date, premature protein termination variants upstream of this position have not been reported in the LHCGR gene. Although we suspect that this variant may be pathogenic, at this time, the clinical significance of this variant is uncertain due to the absence of conclusive functional and genetic evidence.

Genetic Services Laboratory, University of Chicago
Classification: Pathogenic. Last evaluated: 2017-08-15. Review status: criteria provided, single submitter. Criteria: ACMG Guidelines, 2015. Collection method: clinical testing. Allele origin: germline. Affected: yes.